The following is an entry in ClinVar:

NM_000152.5(GAA):c.1128_1129delinsC (p.Trp376fs)

Gene: GAA (alpha glucosidase; plus strand). Cytogenetic location: 17q25.3.
Variant type: Indel.
Coding change: c.1128_1129delinsC on transcript NM_000152.5 (MANE Select); coding-DNA positions 1128 to 1129, GG replaced by C.
Protein change: p.Trp376fs; shifts the reading frame from tryptophan 376.
Molecular consequence: frameshift variant.
Genome position (GRCh38, 1-based): chr17:80,108,541-80,108,542, GG replaced by C. VCF-style: chr17-80108541-GG-C. GRCh37 (hg19) VCF-style: chr17-78082340-GG-C.
Other names: c.1128_1129delGGinsC (LRG_673t1, NM_000152.4); c.1128_1129delinsC, p.Trp376fs (NM_001079803.3, NM_001079804.3); short protein forms W376fs.
Identifiers: ClinVar variation 189041 (VCV000189041.25), dbSNP rs786204646, ClinGen allele CA274311.
Genomic context (GRCh38, chr17:80,108,541, plus strand): 5'-GCCTGCAGGATACCCGTTCATGCCGCCATACTGGGGCCTGGGCTTCCACCTGTGCCGCTG[GG>C]GCTACTCCTCCACCGCTATCACCCGCCAGGTGGTGGAGAACATGACCAGGGCCCACTTCC-3'

ClinVar aggregate classification (germline): Pathogenic. Review status: reviewed by expert panel (3 of 4 stars). 9 submissions from 9 submitters: Pathogenic (1). 8 of the submissions do not count toward it. Last evaluated 2020-02-14.

Conditions:
Glycogen storage disease, type II (IOPD). Also called: CARDIOMEGALIA GLYCOGENICA DIFFUSA; Glycogen storage disease type 2; Acid maltase deficiency disease; Aglucosidase alfa; Deficiency of alpha-glucosidase; Deficiency of lysosomal alpha-glucosidase. Identifiers: Orphanet 365, MedGen C0017921, MONDO:0009290, OMIM 232300.

Submissions (9):

ClinGen Lysosomal Storage Disorder Variant Curation Expert Panel
Classification: Pathogenic for Glycogen storage disease, type II. Last evaluated: 2020-02-14. Review status: reviewed by expert panel. Criteria: ClinGen LSD ACMG Specifications v1. Collection method: curation. Allele origin: germline. Inheritance: Autosomal recessive inheritance.
Comment: This variant, c.1128_1129delGGinsC (p.Trp376Cysfs), is a frameshift variant that is predicted to result in a premature termination codon, nonsense mediated decay, and lack of gene product. Therefore, PVS1 can be applied. The variant is absent in gnomAD v2.1.1, meeting PM2. Two individuals have been reported who meet the ClinGen LSD VCEP's specifications for PP4 and who are compound heterozygous for c.1128_1129delGGinsC (p.Trp376Cysfs) and a unique pathogenic variant in GAA; one individual has infantile-onset Pompe disease and is compound heterozygous for the variant and c.2237G>A (p.Trp746Ter), phase unknown (PMID 22237443), the second individual has late onset Pompe disease and is compound heterozygous for the variant and c.-32-13T>G, phase unknown (PMID 26873529). Based on this data, PM3 can be applied. Additional cases have been reported but were not included for PM3 because the residual GAA activity was not reported and therefore PP4 cannot be assessed (PMIDs 29523196, 27408821), full HGVS nomenclature was not provided (PMID 20033296), or the second variant is a variant of unknown significance (PMID 18607768). There is a ClinVar entry for this variant (Variation ID: 189041, 2 star review status) with 3 submitters classifying the variant and pathogenic and one as likely pathogenic. In summary, this variant meets the criteria to be classified as pathogenic for Pompe disease. GAA-specific ACMG/AMP criteria applied, as specified by the ClinGen LSD VCEP: PVS1, PM3, PM2, PP4.

Genomenon, Inc
Classification: Pathogenic for Glycogen storage disease, type II. Last evaluated: 2026-07-01. Review status: criteria provided, single submitter. Criteria: Genomenon Sequence Variant Interpretation Standards - Updated. Collection method: curation. Allele origin: germline. Affected: yes. Not counted in ClinVar's aggregate classification.
Comment: GAA p.Trp376CysfsTer16 (c.1128_1129delinsC) is a frameshift variant that is predicted to introduce a premature termination codon and result in a truncated or absent protein product. This variant has been observed in at least one proband with a GAA-related disorder (PMID:22237443;37087815). It is absent or not present at a significant frequency in gnomAD. In conclusion, we classify GAA p.Trp376CysfsTer16 (c.1128_1129delinsC) as a pathogenic variant.

Department of Human Genetics, Hannover Medical School
Classification: Pathogenic for Glycogen storage disease, type II. Last evaluated: 2025-03-11. Review status: criteria provided, single submitter. Criteria: ACMG Guidelines, 2015. Collection method: clinical testing. Allele origin: germline. Affected: yes. Not counted in ClinVar's aggregate classification.
Comment: ClinGen VCEP: PVS1, PM2_Supporting, PM3, PP4

Labcorp Genetics (formerly Invitae), Labcorp
Classification: Pathogenic for Glycogen storage disease, type II. Last evaluated: 2024-11-14. Review status: criteria provided, single submitter. Criteria: Invitae Variant Classification Sherloc (09022015). Collection method: clinical testing. Allele origin: germline. Not counted in ClinVar's aggregate classification.
Comment: This sequence change creates a premature translational stop signal (p.Trp376Cysfs*16) in the GAA gene. It is expected to result in an absent or disrupted protein product. Loss-of-function variants in GAA are known to be pathogenic (PMID: 18425781, 22252923). Information on the frequency of this variant in the gnomAD database is not available, as this variant may be reported differently in the database. This premature translational stop signal has been observed in individuals with glycogen storage disease (PMID: 18425781, 18607768, 22252923, 22676651). For these reasons, this variant has been classified as Pathogenic.

Natera, Inc.
Classification: Pathogenic for Glycogen storage disease type II. Last evaluated: 2024-03-20. Review status: criteria provided, single submitter. Criteria: Natera Variant Classification Schema (03/2026). Collection method: clinical testing. Allele origin: germline. Not counted in ClinVar's aggregate classification.
Comment: The c.1128_1129delGGinsC variant in GAA is a frameshift variant predicted to shift the reading frame beginning at codon 376 and leads to a stop codon 16 codons downstream. This variant is expected to result in nonsense mediated decay, truncation, or a dysfunctional protein product. This variant is rare in the general population with a frequency below the threshold expected for the associated phenotype(s). This variant has been observed in one or more individuals affected with the associated recessive disease, as either homozygous or compound heterozygous with a second variant (PMID: 22237443, 26873529). Given the available evidence, this variant is classified as Pathogenic.

Revvity Omics, Revvity
Classification: Pathogenic. Last evaluated: 2023-07-07. Review status: criteria provided, single submitter. Criteria: ACMG Guidelines, 2015. Collection method: clinical testing. Allele origin: germline. Not counted in ClinVar's aggregate classification.

Eurofins Ntd Llc (ga)
Classification: Pathogenic. Last evaluated: 2017-04-03. Review status: criteria provided, single submitter. Criteria: EGL Classification Definitions 2015. Collection method: clinical testing. Allele origin: germline. Observed: 3 variant alleles, 3 heterozygotes. Not counted in ClinVar's aggregate classification.

Molecular Therapies Laboratory, Murdoch University
Classification: Pathogenic for Glycogen storage disease, type II. Last evaluated: 2019-01-07. Review status: no assertion criteria provided. Collection method: clinical testing. Allele origin: germline. Affected: yes. Observed: 2 variant alleles. Not counted in ClinVar's aggregate classification.
Comment: Results in intron 6 inclusion in mRNA transcript and NMD

Counsyl
Classification: Likely pathogenic for Glycogen storage disease, type II. Last evaluated: 2014-10-28. Review status: no assertion criteria provided. Collection method: literature only. Allele origin: unknown. Inheritance: Autosomal recessive inheritance. Not counted in ClinVar's aggregate classification.

Literature cited by the submitters: PubMed 27408821 (cited by ClinGen Lysosomal Storage Disorder Variant Curation Expert Panel); PubMed 26873529 (cited by ClinGen Lysosomal Storage Disorder Variant Curation Expert Panel and Natera, Inc.); PubMed 18607768 (cited by 5 submitters); PubMed 20033296 (cited by ClinGen Lysosomal Storage Disorder Variant Curation Expert Panel); PubMed 22237443 (cited by 3 submitters); PubMed 29523196 (cited by ClinGen Lysosomal Storage Disorder Variant Curation Expert Panel); PubMed 37087815 (cited by Genomenon, Inc); PubMed 18425781 (cited by 4 submitters); PubMed 22252923 (cited by Labcorp Genetics (formerly Invitae), Labcorp); PubMed 22676651 (cited by Labcorp Genetics (formerly Invitae), Labcorp); PubMed 32317649 (cited by Molecular Therapies Laboratory, Murdoch University).